The following is an entry in ClinVar:

ClinVar aggregate classification (germline): Uncertain significance. Review status: criteria provided, multiple submitters, no conflicts (2 of 4 stars). 4 submissions from 4 submitters: Uncertain significance (3). 1 of the submissions does not count toward it. Last evaluated 2025-08-29.

Conditions:
Corticosterone methyl oxidase type II deficiency.

Allele frequency attached by ClinVar (database versions not stated): 1000 Genomes Project 30x 0.00562.

Submissions (4):

Mayo Clinic Laboratories, Mayo Clinic
Classification: Uncertain significance. Last evaluated: 2025-08-29. Review status: criteria provided, single submitter. Criteria: ACMG Guidelines, 2015. Collection method: clinical testing. Allele origin: germline. Observed: 2 variant alleles.
Comment: BP4

Labcorp Genetics (formerly Invitae), Labcorp
Classification: Uncertain significance. Last evaluated: 2022-03-28. Review status: criteria provided, single submitter. Criteria: Invitae Variant Classification Sherloc (09022015). Collection method: clinical testing. Allele origin: germline.
Comment: This sequence change falls in intron 4 of the CYP11B2 gene. It does not directly change the encoded amino acid sequence of the CYP11B2 protein. It affects a nucleotide within the consensus splice site. The frequency data for this variant in the population databases is considered unreliable, as metrics indicate poor data quality at this position in the gnomAD database. This variant has not been reported in the literature in individuals affected with CYP11B2-related conditions. ClinVar contains an entry for this variant (Variation ID: 990155). Variants that disrupt the consensus splice site are a relatively common cause of aberrant splicing (PMID: 17576681, 9536098). Algorithms developed to predict the effect of sequence changes on RNA splicing suggest that this variant is not likely to affect RNA splicing. In summary, the available evidence is currently insufficient to determine the role of this variant in disease. Therefore, it has been classified as a Variant of Uncertain Significance.

Breakthrough Genomics
Classification: Uncertain significance. Review status: criteria provided, single submitter. Criteria: ACMG Guidelines, 2015. Collection method: not provided. Allele origin: germline. Inheritance: Autosomal recessive inheritance. Affected: yes.

Natera, Inc.
Classification: Uncertain significance for Corticosterone methyl oxidase type II deficiency. Last evaluated: 2020-07-20. Review status: no assertion criteria provided. Collection method: clinical testing. Allele origin: germline. Not counted in ClinVar's aggregate classification.

Literature cited by the submitters: PubMed 17576681 (cited by Labcorp Genetics (formerly Invitae), Labcorp); PubMed 9536098 (cited by Labcorp Genetics (formerly Invitae), Labcorp).

NM_000498.3(CYP11B2):c.800-3C>T

Genes: CYP11B2 (cytochrome P450 family 11 subfamily B member 2; minus strand), LOC106799834 (CYP11B2 recombination region; plus strand). Cytogenetic location: 8q24.3.
Variant type: single nucleotide variant.
Coding change: c.800-3C>T on transcript NM_000498.3 (MANE Select); 3 bases into the intron before coding-DNA position 800, C replaced by T.
Molecular consequence: intron variant.
Genome position (GRCh38, 1-based): chr8:142,914,421, G>A on the plus strand (C>T on the coding strand, the complement: CYP11B2 is on the minus strand). VCF-style: chr8-142914421-G-A. GRCh37 (hg19) VCF-style: chr8-143995837-G-A.
Other names: p.?.
Identifiers: ClinVar variation 990155 (VCV000990155.5), dbSNP rs575997633, ClinGen allele CA4906067.
Genomic context (GRCh38, chr8:142,914,421, plus strand): 5'-TAGTGTTGAGGGCGGTTGAAGGCCAGTTCCTGGTAGATTTTCTGGATACAGTTGTCACCT[G>A]TCCAGGGAGCAGGGGACAGCCCTCAGATCTTGGTGCTGGGAAGCATCCTTCAGTGTCCTC-3'